The following is an entry in ClinVar:

NM_001142864.4(PIEZO1):c.7153G>A (p.Val2385Met)

Gene: PIEZO1 (piezo type mechanosensitive ion channel component 1 (Er blood group); minus strand). Cytogenetic location: 16q24.3.
Variant type: single nucleotide variant.
Coding change: c.7153G>A on transcript NM_001142864.4 (MANE Select); coding-DNA position 7153, G replaced by A.
Protein change: p.Val2385Met; replaces valine 2385 with methionine.
Molecular consequence: missense variant.
Genome position (GRCh38, 1-based): chr16:88,716,096, C>T on the plus strand (G>A on the coding strand, the complement: PIEZO1 is on the minus strand). VCF-style: chr16-88716096-C-T. GRCh37 (hg19) VCF-style: chr16-88782504-C-T.
Other names: c.7153G>A (NM_001142864.3); short protein forms V2385M.
Identifiers: ClinVar variation 1163589 (VCV001163589.16), dbSNP rs369319123, ClinGen allele CA8231391.

ClinVar aggregate classification (germline): Conflicting classifications of pathogenicity. Review status: criteria provided, conflicting classifications (1 of 4 stars). 7 submissions from 7 submitters: Uncertain significance (4); Likely benign (2). 1 of the submissions does not count toward it. Last evaluated 2025-08-13.

Conditions:
PIEZO1-related disorder. Also called: PIEZO1-related condition; PIEZO1-Related Disorders.
Inborn genetic diseases. Identifiers: MedGen C0950123, MeSH D030342.

Allele frequency attached by ClinVar (database versions not stated): gnomAD exomes 0.00011; 1000 Genomes Project 30x 0.00016; 1000 Genomes Project 0.00020; ExAC 0.00028; ESP Exome Variant Server 0.00044; TOPMed 0.00044; gnomAD 0.00048 and 0.00053.
gnomAD v4.1: 148 of 1,547,958 alleles (0.0096%); highest among the groups gnomAD compares: African/African-American, 0.15%; no homozygotes.

Submissions (7):

Mayo Clinic Laboratories, Mayo Clinic
Classification: Uncertain significance. Last evaluated: 2025-08-13. Review status: criteria provided, single submitter. Criteria: ACMG Guidelines, 2015. Collection method: clinical testing. Allele origin: germline. Observed: 4 variant alleles.

Ambry Genetics
Classification: Uncertain significance for Inborn genetic diseases. Last evaluated: 2025-01-29. Review status: criteria provided, single submitter. Criteria: Ambry Variant Classification Scheme 2023. Collection method: clinical testing. Allele origin: germline.

Labcorp Genetics (formerly Invitae), Labcorp
Classification: Likely benign. Last evaluated: 2024-12-08. Review status: criteria provided, single submitter. Criteria: Invitae Variant Classification Sherloc (09022015). Collection method: clinical testing. Allele origin: germline.

Revvity Omics, Revvity
Classification: Uncertain significance. Last evaluated: 2024-08-09. Review status: criteria provided, single submitter. Criteria: ACMG Guidelines, 2015. Collection method: clinical testing. Allele origin: germline.

GeneDx
Classification: Uncertain significance. Last evaluated: 2024-07-24. Review status: criteria provided, single submitter. Criteria: GeneDx Variant Classification Process June 2021. Collection method: clinical testing. Allele origin: germline. Affected: yes.
Comment: In silico analysis supports that this missense variant does not alter protein structure/function; Has not been previously published as pathogenic or benign to our knowledge

ARUP Laboratories, Molecular Genetics and Genomics, ARUP Laboratories
Classification: Likely benign. Last evaluated: 2023-08-15. Review status: criteria provided, single submitter. Criteria: ARUP Molecular Germline Variant Investigation Process 2024. Collection method: clinical testing. Allele origin: germline.

PreventionGenetics, part of Exact Sciences
Classification: Likely benign for PIEZO1-related condition. Last evaluated: 2024-08-03. Review status: no assertion criteria provided. Collection method: clinical testing. Allele origin: germline. Not counted in ClinVar's aggregate classification.
Comment: This variant is classified as likely benign based on ACMG/AMP sequence variant interpretation guidelines (Richards et al. 2015 PMID: 25741868, with internal and published modifications).